The following is an entry in ClinVar:

ClinVar aggregate classification (germline): Uncertain significance (1 of 4 stars; one submission).

Submission:

GeneDx
Classification: Uncertain significance. Last evaluated: 2024-06-21. Review status: criteria provided, single submitter. Criteria: GeneDx Variant Classification Process June 2021. Collection method: clinical testing. Allele origin: germline. Affected: yes.
Comment: Not observed at significant frequency in large population cohorts (gnomAD); In silico analysis supports that this missense variant has a deleterious effect on protein structure/function; Has not been previously published as pathogenic or benign to our knowledge

NM_001394998.1(TANC2):c.4033A>C (p.Lys1345Gln)

Gene: TANC2 (tetratricopeptide repeat, ankyrin repeat and coiled-coil containing 2; plus strand). Cytogenetic location: 17q23.3.
Variant type: single nucleotide variant.
Coding change: c.4033A>C on transcript NM_001394998.1 (MANE Select); coding-DNA position 4033, A replaced by C.
Protein change: p.Lys1345Gln; replaces lysine 1345 with glutamine.
Molecular consequence: missense variant.
Genome position (GRCh38, 1-based): chr17:63,415,540, A>C. VCF-style: chr17-63415540-A-C. GRCh37 (hg19) VCF-style: chr17-61492901-A-C.
Other names: c.3811A>C, p.Lys1271Gln (NM_001411076.1); c.3781A>C, p.Lys1261Gln (NM_025185.4); short protein forms K1261Q, K1271Q, K1345Q.
Identifiers: ClinVar variation 3391488 (VCV003391488.1).
Genomic context (GRCh38, chr17:63,415,540, plus strand): 5'-CTGTTCAGCAGACCAACTGTGTGTTTCGCCATCTTGTGCTCCCATTAGAAAGGTAAAGTA[A>C]AGGAAGCTGCCCAGCGCTACCAGTACGCCCTGAAGAAGTTCCCTAGAGAAGGGTTTGGTG-3'
Protein context (NP_001381927.1, residues 1335-1355): GDMFYKKGKV[Lys1345Gln]EAAQRYQYAL